The following is an entry in ClinVar:

NM_080680.3(COL11A2):c.1921C>T (p.Pro641Ser)

Gene: COL11A2 (collagen type XI alpha 2 chain; minus strand). Cytogenetic location: 6p21.32.
Variant type: single nucleotide variant.
Coding change: c.1921C>T on transcript NM_080680.3 (MANE Select); coding-DNA position 1921, C replaced by T.
Protein change: p.Pro641Ser; replaces proline 641 with serine.
Molecular consequence: missense variant.
Genome position (GRCh38, 1-based): chr6:33,177,462, G>A on the plus strand (C>T on the coding strand, the complement: COL11A2 is on the minus strand). VCF-style: chr6-33177462-G-A. GRCh37 (hg19) VCF-style: chr6-33145239-G-A.
Other names: c.1921C>T (NM_080680.2); c.1600C>T, p.Pro534Ser (NM_080679.3); c.1663C>T, p.Pro555Ser (NM_080681.3); short protein forms P534S, P555S, P641S.
Identifiers: ClinVar variation 1718260 (VCV001718260.5), dbSNP rs1771085573, ClinGen allele CA363654827.

ClinVar aggregate classification (germline): Uncertain significance. Review status: criteria provided, multiple submitters, no conflicts (2 of 4 stars). 2 submissions from 2 submitters: Uncertain significance (2). Last evaluated 2025-08-29.

Allele frequency attached by ClinVar (database versions not stated): TOPMed below 0.00001.

Submissions (2):

Labcorp Genetics (formerly Invitae), Labcorp
Classification: Uncertain significance. Last evaluated: 2025-08-29. Review status: criteria provided, single submitter. Criteria: Invitae Variant Classification Sherloc (09022015). Collection method: clinical testing. Allele origin: germline.
Comment: This sequence change replaces proline, which is neutral and non-polar, with serine, which is neutral and polar, at codon 641 of the COL11A2 protein (p.Pro641Ser). This variant is not present in population databases (gnomAD no frequency). This variant has not been reported in the literature in individuals affected with COL11A2-related conditions. ClinVar contains an entry for this variant (Variation ID: 1718260). Invitae Evidence Modeling of protein sequence and biophysical properties (such as structural, functional, and spatial information, amino acid conservation, physicochemical variation, residue mobility, and thermodynamic stability) indicates that this missense variant is not expected to disrupt COL11A2 protein function with a negative predictive value of 95%. In summary, the available evidence is currently insufficient to determine the role of this variant in disease. Therefore, it has been classified as a Variant of Uncertain Significance.

GeneDx
Classification: Uncertain significance. Last evaluated: 2022-12-27. Review status: criteria provided, single submitter. Criteria: GeneDx Variant Classification Process June 2021. Collection method: clinical testing. Allele origin: germline. Affected: yes.
Comment: Not observed at significant frequency in large population cohorts (gnomAD); In silico analysis supports that this missense variant has a deleterious effect on protein structure/function; Has not been previously published as pathogenic or benign to our knowledge